The following is an entry in ClinVar:

NM_001100913.3(PACS2):c.1951G>A (p.Ala651Thr)

Gene: PACS2 (phosphofurin acidic cluster sorting protein 2; plus strand). Cytogenetic location: 14q32.33.
Variant type: single nucleotide variant.
Coding change: c.1951G>A on transcript NM_001100913.3 (MANE Select); coding-DNA position 1951, G replaced by A.
Protein change: p.Ala651Thr; replaces alanine 651 with threonine.
Molecular consequence: missense variant.
Genome position (GRCh38, 1-based): chr14:105,384,938, G>A. VCF-style: chr14-105384938-G-A. GRCh37 (hg19) VCF-style: chr14-105851275-G-A.
Other names: c.1714G>A, p.Ala572Thr (NM_001243127.3); c.1939G>A, p.Ala647Thr (NM_015197.4); short protein forms A651T, A572T, A647T.
Identifiers: ClinVar variation 2793889 (VCV002793889.3), dbSNP rs782388584, ClinGen allele CA7389072.

ClinVar aggregate classification (germline): Uncertain significance (1 of 4 stars; one submission).

Allele frequency attached by ClinVar (database versions not stated): ExAC 0.00002; gnomAD exomes 0.00002.
gnomAD v4.1: 32 of 1,600,954 alleles (0.002%); highest among the groups gnomAD compares: Non-Finnish European, 0.0026%; no homozygotes.

Submission:

Labcorp Genetics (formerly Invitae), Labcorp
Classification: Uncertain significance. Last evaluated: 2022-11-07. Review status: criteria provided, single submitter. Criteria: Invitae Variant Classification Sherloc (09022015). Collection method: clinical testing. Allele origin: germline.
Comment: In summary, the available evidence is currently insufficient to determine the role of this variant in disease. Therefore, it has been classified as a Variant of Uncertain Significance. Advanced modeling of protein sequence and biophysical properties (such as structural, functional, and spatial information, amino acid conservation, physicochemical variation, residue mobility, and thermodynamic stability) performed at Invitae indicates that this missense variant is not expected to disrupt PACS2 protein function. This variant has not been reported in the literature in individuals affected with PACS2-related conditions. This variant is not present in population databases (gnomAD no frequency). This sequence change replaces alanine, which is neutral and non-polar, with threonine, which is neutral and polar, at codon 651 of the PACS2 protein (p.Ala651Thr).